The following is an entry in ClinVar:

ClinVar aggregate classification (germline): Uncertain significance. Review status: criteria provided, multiple submitters, no conflicts (2 of 4 stars). 6 submissions from 6 submitters: Uncertain significance (5). 1 of the submissions does not count toward it. Last evaluated 2022-09-27.

Conditions:
Glycogen storage disease due to muscle beta-enolase deficiency (GSD13). Also called: ENOLASE 3 DEFICIENCY; ENOLASE-BETA DEFICIENCY; GSD XIII; Glycogen Storage Disease Type XIII. Identifiers: Orphanet 99849, MedGen C2752027, MONDO:0013046, OMIM 612932.

Allele frequency attached by ClinVar (database versions not stated): gnomAD exomes 0.00009 and 0.00017; TOPMed 0.00011; gnomAD 0.00012; ExAC 0.00022.

Submissions (6):

Labcorp Genetics (formerly Invitae), Labcorp
Classification: Uncertain significance for Glycogen storage disease due to muscle beta-enolase deficiency. Last evaluated: 2022-09-27. Review status: criteria provided, single submitter. Criteria: Invitae Variant Classification Sherloc (09022015). Collection method: clinical testing. Allele origin: germline.
Comment: This sequence change replaces glycine, which is neutral and non-polar, with glutamic acid, which is acidic and polar, at codon 374 of the ENO3 protein (p.Gly374Glu). This variant is present in population databases (rs121918404, gnomAD 0.03%). This missense change has been observed in individual(s) with clinical features of ENO3-related conditions (PMID: 11506403). ClinVar contains an entry for this variant (Variation ID: 16618). Advanced modeling of protein sequence and biophysical properties (such as structural, functional, and spatial information, amino acid conservation, physicochemical variation, residue mobility, and thermodynamic stability) performed at Invitae indicates that this missense variant is expected to disrupt ENO3 protein function. Experimental studies have shown that this missense change affects ENO3 function (PMID: 18070103). Algorithms developed to predict the effect of sequence changes on RNA splicing suggest that this variant may create or strengthen a splice site. In summary, the available evidence is currently insufficient to determine the role of this variant in disease. Therefore, it has been classified as a Variant of Uncertain Significance.

Department of Pathology and Laboratory Medicine, Sinai Health System
Classification: Uncertain significance for Glycogen storage disease due to muscle beta-enolase deficiency. Last evaluated: 2022-03-21. Review status: criteria provided, single submitter. Criteria: ACMG Guidelines, 2015. Collection method: research. Allele origin: germline.

Fulgent Genetics
Classification: Uncertain significance for Glycogen storage disease due to muscle beta-enolase deficiency. Last evaluated: 2022-03-04. Review status: criteria provided, single submitter. Criteria: ACMG Guidelines, 2015. Collection method: clinical testing. Allele origin: unknown.

Mayo Clinic Laboratories, Mayo Clinic
Classification: Uncertain significance. Last evaluated: 2020-03-23. Review status: criteria provided, single submitter. Criteria: ACMG Guidelines, 2015. Collection method: clinical testing. Allele origin: germline. Observed: 1 variant allele.

Eurofins Ntd Llc (ga)
Classification: Uncertain significance. Last evaluated: 2017-08-01. Review status: criteria provided, single submitter. Criteria: EGL Classification Definitions 2015. Collection method: clinical testing. Allele origin: germline. Observed: 1 variant allele, 1 heterozygote.

OMIM
Classification: Pathogenic for GLYCOGEN STORAGE DISEASE XIII. Last evaluated: 2001-08-01. Review status: no assertion criteria provided. Collection method: literature only. Allele origin: germline. Not counted in ClinVar's aggregate classification.

Literature cited by the submitters: PubMed 11506403 (cited by Labcorp Genetics (formerly Invitae), Labcorp and OMIM); PubMed 18070103 (cited by Labcorp Genetics (formerly Invitae), Labcorp).

NM_053013.4(ENO3):c.1121G>A (p.Gly374Glu)

Gene: ENO3 (enolase 3; plus strand). Cytogenetic location: 17p13.2.
Variant type: single nucleotide variant.
Coding change: c.1121G>A on transcript NM_053013.4 (MANE Select); coding-DNA position 1121, G replaced by A.
Protein change: p.Gly374Glu; replaces glycine 374 with glutamic acid.
Molecular consequence: missense variant.
Genome position (GRCh38, 1-based): chr17:4,956,626, G>A. VCF-style: chr17-4956626-G-A. GRCh37 (hg19) VCF-style: chr17-4859921-G-A.
Other names: c.992G>A, p.Gly331Glu (NM_001193503.2); c.1121G>A, p.Gly374Glu (NM_001976.5); short protein forms G374E, G331E.
Identifiers: ClinVar variation 16618 (VCV000016618.16), dbSNP rs121918404, ClinGen allele CA126731.